The following is an entry in ClinVar:

ClinVar aggregate classification (germline): Uncertain significance (1 of 4 stars; one submission).

Submission:

Ambry Genetics
Classification: Uncertain significance. Last evaluated: 2025-03-31. Review status: criteria provided, single submitter. Criteria: Ambry Variant Classification Scheme 2023. Collection method: clinical testing. Allele origin: germline.
Comment: The p.G644E variant (also known as c.1931G>A), located in coding exon 11 of the PALLD gene, results from a G to A substitution at nucleotide position 1931. The glycine at codon 644 is replaced by glutamic acid, an amino acid with similar properties. This amino acid position is conserved. In addition, this alteration is predicted to be deleterious by in silico analysis. Based on the available evidence, the clinical significance of this variant remains unclear.

NM_001166108.2(PALLD):c.*117G>A

Genes: CBR4 (carbonyl reductase 4; minus strand), PALLD (palladin, cytoskeletal associated protein; plus strand). Cytogenetic location: 4q32.3.
Variant type: single nucleotide variant.
Coding change: c.*117G>A on transcript NM_001166108.2 (MANE Select); 117 bases downstream of the stop codon, G replaced by A.
Molecular consequence: 3 prime UTR variant. On other transcripts: missense variant (4).
Genome position (GRCh38, 1-based): chr4:168,926,297, G>A. VCF-style: chr4-168926297-G-A. GRCh37 (hg19) VCF-style: chr4-169847448-G-A.
Other names: c.2246G>A, p.Gly749Glu (NM_001166109.2); c.1931G>A, p.Gly644Glu (NM_001166110.2); c.*117G>A (NM_001367567.1, NM_001367570.1, NM_016081.4); c.1322G>A, p.Gly441Glu (NM_001367568.1); c.1271G>A, p.Gly424Glu (NM_001367569.1); short protein forms G644E, G424E, G441E, G749E.
Identifiers: ClinVar variation 3927521 (VCV003927521.1).
Genomic context (GRCh38, chr4:168,926,297, plus strand): 5'-GCACCAAGCCAAAAAAAGTACGGCCCTCAGCCAGTCGCTATGCAGCACTTTCGGACCAGG[G>A]ACTAGACATCAAAGCAGCGTTCCAACCTGAGGCCAACCCATCTCACCTGACACTGAATAC-3'